The following is an entry in ClinVar:

ClinVar aggregate classification (germline): Pathogenic (1 of 4 stars; one submission).

Conditions:
Inborn genetic diseases. Identifiers: MedGen C0950123, MeSH D030342.

Submission:

Ambry Genetics
Classification: Pathogenic for Inborn genetic diseases. Last evaluated: 2016-06-03. Review status: criteria provided, single submitter. Criteria: Ambry Variant Classification Scheme 2023. Collection method: clinical testing. Allele origin: germline.
Comment: The p.G1120* pathogenic mutation (also known as c.3358G>T), located in coding exon 16 of the SCN1A gene, results from a G to T substitution at nucleotide position 3358. This changes the amino acid from a glycine to a stop codon within coding exon 16. Since premature stop codons are typically deleterious in nature, this alteration is interpreted as a disease-causing mutation (ACMG Recommendations for Standards for Interpretation and Reporting of Sequence Variations. Revision 2007. Genet Med. 2008;10:294).

NM_001165963.4(SCN1A):c.3358G>T (p.Gly1120Ter)

Genes: SCN1A (sodium voltage-gated channel alpha subunit 1; minus strand), LOC102724058 (uncharacterized LOC102724058; plus strand). Cytogenetic location: 2q24.3.
Variant type: single nucleotide variant.
Coding change: c.3358G>T on transcript NM_001165963.4 (MANE Select); coding-DNA position 3358, G replaced by T.
Protein change: p.Gly1120Ter; replaces glycine 1120 with a stop codon.
Molecular consequence: nonsense. On other transcripts: non-coding transcript variant (2).
Genome position (GRCh38, 1-based): chr2:166,036,119, C>A on the plus strand (G>T on the coding strand, the complement: SCN1A is on the minus strand). VCF-style: chr2-166036119-C-A. GRCh37 (hg19) VCF-style: chr2-166892629-C-A.
Other names: c.3274G>T, p.Gly1092Ter (NM_001165964.3, NM_001353957.2, NM_001353958.2); c.3358G>T, p.Gly1120Ter (NM_001202435.3, NM_001353948.2); c.3325G>T, p.Gly1109Ter (NM_001353949.2, NM_001353950.2, NM_001353951.2 and 2 more transcripts); c.3322G>T, p.Gly1108Ter (NM_001353954.2, NM_001353955.2); c.3271G>T, p.Gly1091Ter (NM_001353960.2); c.916G>T, p.Gly306Ter (NM_001353961.2); short protein forms G1120*, G1091*, G1108*, G1109*, G306*, G1092*.
Identifiers: ClinVar variation 1730569 (VCV001730569.2), dbSNP rs749317646, ClinGen allele CA349059232.